The following is an entry in ClinVar:

NM_022168.4(IFIH1):c.1965T>A (p.Asp655Glu)

Gene: IFIH1 (interferon induced with helicase C domain 1; minus strand). Cytogenetic location: 2q24.2.
Variant type: single nucleotide variant.
Coding change: c.1965T>A on transcript NM_022168.4 (MANE Select); coding-DNA position 1965, T replaced by A.
Protein change: p.Asp655Glu; replaces aspartic acid 655 with glutamic acid.
Molecular consequence: missense variant.
Genome position (GRCh38, 1-based): chr2:162,277,494, A>T on the plus strand (T>A on the coding strand, the complement: IFIH1 is on the minus strand). VCF-style: chr2-162277494-A-T. GRCh37 (hg19) VCF-style: chr2-163134004-A-T.
Other names: c.1965T>A, p.Asp655Glu (LRG_1235t1); short protein forms D655E.
Identifiers: ClinVar variation 541782 (VCV000541782.15), dbSNP rs144274375, ClinGen allele CA1934340.

ClinVar aggregate classification (germline): Likely benign. Review status: criteria provided, multiple submitters, no conflicts (2 of 4 stars). 3 submissions from 3 submitters: Likely benign (2). 1 of the submissions does not count toward it. Last evaluated 2026-06-01.

Conditions:
IFIH1-related disorder. Also called: IFIH1-related condition.
Singleton-Merten syndrome 1 (SGMRT1). Also called: Widened medullary cavities of bone, aortic calcification, abnormal dentition, and muscular weakness; Syndrome of widened medullary cavities of the metacarpals and phalanges, aortic calcification and abnormal dentition. Identifiers: Orphanet 85191, MedGen C4225427, MONDO:0024535, OMIM 182250.
Aicardi-Goutieres syndrome 7 (AGS7). Identifiers: Orphanet 51, MedGen C3888244, MONDO:0014367, OMIM 615846.

Allele frequency attached by ClinVar (database versions not stated): 1000 Genomes Project 30x 0.00016; 1000 Genomes Project 0.00020; ExAC 0.00026; gnomAD 0.00049 and 0.00054; TOPMed 0.00060; ESP Exome Variant Server 0.00100.
gnomAD v4.1: 128 of 1,593,226 alleles (0.008%); highest among the groups gnomAD compares: African/African-American, 0.15%; no homozygotes.

Submissions (3):

CeGaT Center for Human Genetics Tuebingen
Classification: Likely benign. Last evaluated: 2026-06-01. Review status: criteria provided, single submitter. Criteria: CeGaT Center For Human Genetics Tuebingen Variant Classification Criteria Version 2. Collection method: clinical testing. Allele origin: germline. Affected: yes. Observed: 1 variant allele.
Comment: IFIH1: BP4

Labcorp Genetics (formerly Invitae), Labcorp
Classification: Likely benign for Aicardi-Goutieres syndrome 7; Singleton-Merten syndrome 1. Last evaluated: 2026-02-01. Review status: criteria provided, single submitter. Criteria: Invitae Variant Classification Sherloc (09022015). Collection method: clinical testing. Allele origin: germline.

PreventionGenetics, part of Exact Sciences
Classification: Likely benign for IFIH1-related condition. Last evaluated: 2020-03-17. Review status: no assertion criteria provided. Collection method: clinical testing. Allele origin: germline. Not counted in ClinVar's aggregate classification.
Comment: This variant is classified as likely benign based on ACMG/AMP sequence variant interpretation guidelines (Richards et al. 2015 PMID: 25741868, with internal and published modifications).